The following is an entry in ClinVar:

NM_004187.5(KDM5C):c.1622C>T (p.Ala541Val)

Gene: KDM5C (lysine demethylase 5C; minus strand). Cytogenetic location: Xp11.22.
Variant type: single nucleotide variant.
Coding change: c.1622C>T on transcript NM_004187.5 (MANE Select); coding-DNA position 1622, C replaced by T.
Protein change: p.Ala541Val; replaces alanine 541 with valine.
Molecular consequence: missense variant. On other transcripts: non-coding transcript variant (3).
Genome position (GRCh38, 1-based): chrX:53,210,538, G>A on the plus strand (C>T on the coding strand, the complement: KDM5C is on the minus strand). VCF-style: chrX-53210538-G-A. GRCh37 (hg19) VCF-style: chrX-53239720-G-A.
Other names: c.1622C>T (NM_004187.2, NM_004187.3); c.1421C>T, p.Ala474Val (NM_001146702.2); c.1619C>T, p.Ala540Val (NM_001282622.3, NM_001353979.2, NM_001353982.2); c.1622C>T, p.Ala541Val (NM_001353978.3, NM_001353981.2, NM_001353984.2); short protein forms A540V, A474V, A541V.
Identifiers: ClinVar variation 1480281 (VCV001480281.10), dbSNP rs2146914547, ClinGen allele CA413127783.

ClinVar aggregate classification (germline): Uncertain significance. Review status: criteria provided, multiple submitters, no conflicts (2 of 4 stars). 3 submissions from 3 submitters: Uncertain significance (3). Last evaluated 2025-04-22.

Conditions:
Spastic paraplegia. Identifiers: MedGen C0037772, HP:0001258.
Inborn genetic diseases. Identifiers: MedGen C0950123, MeSH D030342.

Submissions (3):

GeneDx
Classification: Uncertain significance. Last evaluated: 2025-04-22. Review status: criteria provided, single submitter. Criteria: GeneDx Variant Classification Process June 2021. Collection method: clinical testing. Allele origin: germline. Affected: yes.
Comment: Not observed at significant frequency in large population cohorts (gnomAD); In silico analysis supports that this missense variant has a deleterious effect on protein structure/function; Has not been previously published as pathogenic or benign to our knowledge

Ambry Genetics
Classification: Uncertain significance for Inborn genetic diseases. Last evaluated: 2025-03-07. Review status: criteria provided, single submitter. Criteria: Ambry Variant Classification Scheme 2023. Collection method: clinical testing. Allele origin: germline.
Comment: The c.1622C>T (p.A541V) alteration is located in exon 12 (coding exon 12) of the KDM5C gene. This alteration results from a C to T substitution at nucleotide position 1622, causing the alanine (A) at amino acid position 541 to be replaced by a valine (V). This variant was not reported in population-based cohorts in the Genome Aggregation Database (gnomAD). This amino acid position is highly conserved in available vertebrate species. This missense alteration is located in a region that has a low rate of benign missense variation (Lek, 2016; Firth, 2009). This alteration is predicted to be deleterious by in silico analysis. Based on insufficient or conflicting evidence, the clinical significance of this alteration remains unclear.

Labcorp Genetics (formerly Invitae), Labcorp
Classification: Uncertain significance for Spastic paraplegia. Last evaluated: 2021-07-14. Review status: criteria provided, single submitter. Criteria: Invitae Variant Classification Sherloc (09022015). Collection method: clinical testing. Allele origin: germline.
Comment: This sequence change replaces alanine with valine at codon 541 of the KDM5C protein (p.Ala541Val). The alanine residue is moderately conserved and there is a small physicochemical difference between alanine and valine. This variant is not present in population databases (ExAC no frequency). This variant has not been reported in the literature in individuals with KDM5C-related conditions. Advanced modeling of protein sequence and biophysical properties (such as structural, functional, and spatial information, amino acid conservation, physicochemical variation, residue mobility, and thermodynamic stability) performed at Invitae indicates that this missense variant is expected to disrupt KDM5C protein function. In summary, the available evidence is currently insufficient to determine the role of this variant in disease. Therefore, it has been classified as a Variant of Uncertain Significance.